The following is an entry in ClinVar:

NM_024426.6(WT1):c.*2G>A

Gene: WT1 (WT1 transcription factor; minus strand). Cytogenetic location: 11p13.
Variant type: single nucleotide variant.
Coding change: c.*2G>A on transcript NM_024426.6 (MANE Select); 2 bases downstream of the stop codon, G replaced by A.
Molecular consequence: 3 prime UTR variant. On other transcripts: non-coding transcript variant (2).
Genome position (GRCh38, 1-based): chr11:32,389,056, C>T on the plus strand (G>A on the coding strand, the complement: WT1 is on the minus strand). VCF-style: chr11-32389056-C-T. GRCh37 (hg19) VCF-style: chr11-32410602-C-T.
Other names: c.*2G>A (NM_000378.6, NM_001198551.2, NM_001198552.2 and 15 more transcripts).
Identifiers: ClinVar variation 3074942 (VCV003074942.2), dbSNP rs758798048, ClinGen allele CA064821.

ClinVar aggregate classification (germline): Uncertain significance. Review status: criteria provided, multiple submitters, no conflicts (2 of 4 stars). 2 submissions from 2 submitters: Uncertain significance (2). Last evaluated 2025-05-21.

Conditions:
Wilms tumor 1 (WT1). Also called: Wilms tumor, somatic. Identifiers: Orphanet 654, MedGen CN033288, MONDO:0008679, OMIM 194070.

gnomAD v4.1: 6 of 1,614,206 alleles (0.00037%); highest among the groups gnomAD compares: Non-Finnish European, 0.00051%; no homozygotes.

Submissions (2):

GeneDx
Classification: Uncertain significance. Last evaluated: 2025-05-21. Review status: criteria provided, single submitter. Criteria: GeneDx Variant Classification Process June 2021. Collection method: clinical testing. Allele origin: germline. Affected: yes.
Comment: Not observed at significant frequency in large population cohorts (gnomAD); Has not been previously published as pathogenic or benign to our knowledge; Located in a regulatory region; in the absence of functional studies, the actual effect of this sequence change is unknown

All of Us Research Program, National Institutes of Health
Classification: Uncertain significance for Wilms tumor 1. Last evaluated: 2023-12-13. Review status: criteria provided, single submitter. Criteria: ACMG Guidelines, 2015. Collection method: clinical testing. Allele origin: germline. Inheritance: Autosomal dominant inheritance. Observed: 1 variant allele, 1 heterozygote.
Comment: This variant causes a single nucleotide substitution in the 3' untranslated region of the WT1 gene. To our knowledge, functional studies have not been reported for this variant. This variant has not been reported in individuals affected with WT1-related disorders in the literature. This variant has been identified in 1/251428 chromosomes in the general population by the Genome Aggregation Database (gnomAD). The available evidence is insufficient to determine the role of this variant in disease conclusively. Therefore, this variant is classified as a Variant of Uncertain Significance.

This study involves interpretation of variants in research participants for the purpose of population health screening. Participant phenotype was not available at the time of variant classification. Additional details can be found in publication PMID: 35346344, PMCID: PMC8962531